The following is an entry in ClinVar:

ClinVar aggregate classification (germline): Uncertain significance. Review status: criteria provided, multiple submitters, no conflicts (2 of 4 stars). 2 submissions from 2 submitters: Uncertain significance (2). Last evaluated 2025-09-30.

Conditions:
Heterotopia, periventricular, X-linked dominant (PVNH1). Also called: PERIVENTRICULAR NODULAR HETEROTOPIA 1; X-linked periventricular heterotopia; PERIVENTRICULAR NODULAR HETEROTOPIA 4; HETEROTOPIA, PERIVENTRICULAR, 1. Identifiers: Orphanet 2149, Orphanet 82004, MedGen C1848213, MONDO:0010233, OMIM 300049.
Intestinal pseudoobstruction, neuronal, chronic idiopathic, X-linked (CIIPX). Also called: INTESTINAL PSEUDOOBSTRUCTION, NEURONAL, CHRONIC IDIOPATHIC, WITH CENTRAL NERVOUS SYSTEM INVOLVEMENT; CONGENITAL IDIOPATHIC INTESTINAL PSEUDOOBSTRUCTION; FLNA-Related Periventricular Nodular Heterotopia (FLNA-Related PVNH; Huttenlocher Syndrome). Identifiers: Orphanet 2301, MedGen C2746068, MONDO:0010232, OMIM 300048.
Oto-palato-digital syndrome, type I (OPD1). Also called: OPD I SYNDROME; OPD SYNDROME 1; Otopalatodigital Syndrome Type 1 (FLNA-OPD1); Taybi syndrome; Otopalatodigital Syndrome, Type I. Identifiers: Orphanet 669, Orphanet 90650, MedGen C0265251, MONDO:0010704, OMIM 311300.
Oto-palato-digital syndrome, type II (OPD2). Also called: FACIOPALATOOSSEOUS SYNDROME; OPD II SYNDROME; Otopalatodigital Syndrome Type 2 (FLNA-OPD2); Otopalatodigital Syndrome, Type II. Identifiers: Orphanet 669, Orphanet 90652, MedGen C1844696, MONDO:0010571, OMIM 304120.
Frontometaphyseal dysplasia 1 (FMD1). Also called: Frontometaphyseal Dysplasia (FLNA-FMD). Identifiers: Orphanet 1826, MedGen C4281559, MONDO:0024550, OMIM 305620.
Cardiac valvular dysplasia, X-linked (CVDPX). Also called: MYXOMATOUS VALVULAR DYSTROPHY, X-LINKED; VALVULAR HEART DISEASE, CONGENITAL; FLNA-Related X-linked Cardiac Valvular Dysplasia; Isolated X-Linked Cardiac Valvular Dysplasia; Congenital valvular dysplasia. Identifiers: Orphanet 1864, Orphanet 555877, Orphanet 75497, MedGen C0262436, MONDO:0010753, OMIM 314400.
Terminal osseous dysplasia-pigmentary defects syndrome. Also called: ODPF SYNDROME; OSSEOUS DYSPLASIA, DIGITAL, WITH FACIAL PIGMENTARY DEFECTS AND MULTIPLE FRENULA; ODPD; TERMINAL OSSEOUS DYSPLASIA AND PIGMENTARY DEFECTS; Terminal Osseous Dysplasia (FLNA-TOD). Identifiers: Orphanet 88630, MedGen C1846129, MONDO:0010279, OMIM 300244.
FG syndrome 2 (FGS2). Identifiers: MedGen C1845902, MONDO:0010297, OMIM 300321.
Melnick-Needles syndrome (MNS). Also called: MELNICK-NEEDLES OSTEODYSPLASTY; OSTEODYSPLASTY OF MELNICK AND NEEDLES; Melnick-Needles Syndrome (FLNA-MNS). Identifiers: Orphanet 2484, MedGen C0025237, MONDO:0010650, OMIM 309350.
Frontometaphyseal dysplasia (FMD1). Identifiers: Orphanet 1826, MedGen C0265293, MONDO:0015942.

Allele frequency attached by ClinVar (database versions not stated): TOPMed below 0.00001.

Submissions (2):

Labcorp Genetics (formerly Invitae), Labcorp
Classification: Uncertain significance for Oto-palato-digital syndrome, type II; Heterotopia, periventricular, X-linked dominant; Frontometaphyseal dysplasia; Melnick-Needles syndrome. Last evaluated: 2025-09-30. Review status: criteria provided, single submitter. Criteria: Invitae Variant Classification Sherloc (09022015). Collection method: clinical testing. Allele origin: germline.
Comment: This sequence change replaces leucine, which is neutral and non-polar, with phenylalanine, which is neutral and non-polar, at codon 1224 of the FLNA protein (p.Leu1224Phe). This variant is not present in population databases (gnomAD no frequency). This variant has not been reported in the literature in individuals affected with FLNA-related conditions. ClinVar contains an entry for this variant (Variation ID: 464984). Invitae Evidence Modeling of protein sequence and biophysical properties (such as structural, functional, and spatial information, amino acid conservation, physicochemical variation, residue mobility, and thermodynamic stability) indicates that this missense variant is not expected to disrupt FLNA protein function with a negative predictive value of 95%. In summary, the available evidence is currently insufficient to determine the role of this variant in disease. Therefore, it has been classified as a Variant of Uncertain Significance.

Fulgent Genetics
Classification: Uncertain significance for Intestinal pseudoobstruction, neuronal, chronic idiopathic, X-linked; Heterotopia, periventricular, X-linked dominant; Terminal osseous dysplasia-pigmentary defects syndrome; FG syndrome 2; Oto-palato-digital syndrome, type II; Frontometaphyseal dysplasia 1; Melnick-Needles syndrome; Oto-palato-digital syndrome, type I; Cardiac valvular dysplasia, X-linked. Last evaluated: 2021-10-15. Review status: criteria provided, single submitter. Criteria: ACMG Guidelines, 2015. Collection method: clinical testing. Allele origin: unknown.

NM_001110556.2(FLNA):c.3670C>T (p.Leu1224Phe)

Gene: FLNA (filamin A; minus strand). Cytogenetic location: Xq28.
Variant type: single nucleotide variant.
Coding change: c.3670C>T on transcript NM_001110556.2 (MANE Select); coding-DNA position 3670, C replaced by T.
Protein change: p.Leu1224Phe; replaces leucine 1224 with phenylalanine.
Molecular consequence: missense variant.
Genome position (GRCh38, 1-based): chrX:154,360,125, G>A on the plus strand (C>T on the coding strand, the complement: FLNA is on the minus strand). VCF-style: chrX-154360125-G-A. GRCh37 (hg19) VCF-style: chrX-153588493-G-A.
Other names: c.3670C>T, p.Leu1224Phe (NM_001456.4); short protein forms L1224F.
Identifiers: ClinVar variation 464984 (VCV000464984.49), dbSNP rs1557177690, ClinGen allele CA415223451.